The following is an entry in ClinVar:

ClinVar aggregate classification (germline): Uncertain significance (1 of 4 stars; one submission).

Allele frequency attached by ClinVar (database versions not stated): TOPMed 0.00001.

Submission:

Labcorp Genetics (formerly Invitae), Labcorp
Classification: Uncertain significance. Last evaluated: 2023-08-17. Review status: criteria provided, single submitter. Criteria: Invitae Variant Classification Sherloc (09022015). Collection method: clinical testing. Allele origin: germline.
Comment: This variant is not present in population databases (gnomAD no frequency). This sequence change replaces valine, which is neutral and non-polar, with leucine, which is neutral and non-polar, at codon 305 of the CHD8 protein (p.Val305Leu). This variant has not been reported in the literature in individuals affected with CHD8-related conditions. In summary, the available evidence is currently insufficient to determine the role of this variant in disease. Therefore, it has been classified as a Variant of Uncertain Significance. An algorithm developed to predict the effect of missense changes on protein structure and function (PolyPhen-2) suggests that this variant is likely to be disruptive. ClinVar contains an entry for this variant (Variation ID: 1713924).

NM_001170629.2(CHD8):c.913G>C (p.Val305Leu)

Gene: CHD8 (chromodomain helicase DNA binding protein 8; minus strand). Cytogenetic location: 14q11.2.
Variant type: single nucleotide variant.
Coding change: c.913G>C on transcript NM_001170629.2 (MANE Select); coding-DNA position 913, G replaced by C.
Protein change: p.Val305Leu; replaces valine 305 with leucine.
Molecular consequence: missense variant.
Genome position (GRCh38, 1-based): chr14:21,429,266, C>G on the plus strand (G>C on the coding strand, the complement: CHD8 is on the minus strand). VCF-style: chr14-21429266-C-G. GRCh37 (hg19) VCF-style: chr14-21897425-C-G.
Other names: c.76G>C, p.Val26Leu (NM_020920.4); short protein forms V26L, V305L.
Identifiers: ClinVar variation 1713924 (VCV001713924.6), dbSNP rs1889458767, ClinGen allele CA388885533.